The following is an entry in ClinVar:

NC_000002.11:g.(?_179517945)_(179528263_?)del

Gene: TTN (titin; minus strand). Cytogenetic location: 2q31.2.
Variant type: Deletion.
Identifiers: ClinVar variation 2424038 (VCV002424038.6).

ClinVar aggregate classification (germline): Uncertain significance (1 of 4 stars; one submission).

Conditions:
Dilated cardiomyopathy 1G (CMD1G). Identifiers: Orphanet 154, MedGen C1858763, MONDO:0011400, OMIM 604145.
Autosomal recessive limb-girdle muscular dystrophy type 2J (LGMDR10). Also called: MUSCULAR DYSTROPHY, LIMB-GIRDLE, AUTOSOMAL RECESSIVE 10; Limb-girdle muscular dystrophy, type 2J. Identifiers: Orphanet 140922, MedGen C1837342, MONDO:0012127, OMIM 608807.

Submission:

Labcorp Genetics (formerly Invitae), Labcorp
Classification: Uncertain significance for Dilated cardiomyopathy 1G; Autosomal recessive limb-girdle muscular dystrophy type 2J. Last evaluated: 2021-11-12. Review status: criteria provided, single submitter. Criteria: Invitae Variant Classification Sherloc (09022015). Collection method: clinical testing. Allele origin: germline.
Comment: This variant is a gross deletion of the genomic region encompassing exon(s) 172-198 of the TTN gene. While this is not anticipated to result in nonsense mediated decay, it is expected to create a truncated TTN protein. ‚ÄúThis variant disrupts the I band of TTN (PMID: 25589632). Copy number variants in TTN have been previously reported in individuals affected with neuromuscular disorders (PMID: 29792937, 30238059), but the functional significance of this variant is currently unknown.‚Äú In summary, the available evidence is currently insufficient to determine the role of this variant in disease. Therefore, it has been classified as a Variant of Uncertain Significance. This variant has not been reported in the literature in individuals affected with TTN-related conditions.

Literature cited by the submitters: PubMed 25589632; PubMed 29792937; PubMed 30238059.